The following is an entry in ClinVar:

ClinVar aggregate classification (germline): Uncertain significance (1 of 4 stars; one submission).

Conditions:
Isolated microphthalmia 4. Identifiers: Orphanet 2542, MedGen C2751307, MONDO:0013130, OMIM 613094.
Klippel-Feil syndrome 1, autosomal dominant (KFS1). Also called: CERVICAL VERTEBRAL FUSION, AUTOSOMAL DOMINANT. Identifiers: Orphanet 2345, MedGen C1861689, MONDO:0007306, OMIM 118100.
Leber congenital amaurosis 17 (LCA17). Identifiers: Orphanet 65, MedGen C3715164, MONDO:0014145, OMIM 615360.
Microphthalmia, isolated, with coloboma 6 (MCOPCB6). Also called: MICROPHTHALMIA/COLOBOMA 6; Microphthalmia with coloboma 6, digenic; Microphthalmia with coloboma 6. Identifiers: Orphanet 98938, MedGen C3150968, MONDO:0013376, OMIM 613703.

Allele frequency attached by ClinVar (database versions not stated): gnomAD exomes below 0.00001 and 0.00001.

Submission:

Labcorp Genetics (formerly Invitae), Labcorp
Classification: Uncertain significance for Isolated microphthalmia 4; Leber congenital amaurosis 17; Klippel-Feil syndrome 1, autosomal dominant; Microphthalmia, isolated, with coloboma 6. Last evaluated: 2023-09-03. Review status: criteria provided, single submitter. Criteria: Invitae Variant Classification Sherloc (09022015). Collection method: clinical testing. Allele origin: germline.
Comment: In summary, the available evidence is currently insufficient to determine the role of this variant in disease. Therefore, it has been classified as a Variant of Uncertain Significance. Advanced modeling of protein sequence and biophysical properties (such as structural, functional, and spatial information, amino acid conservation, physicochemical variation, residue mobility, and thermodynamic stability) performed at Invitae indicates that this missense variant is expected to disrupt GDF6 protein function. ClinVar contains an entry for this variant (Variation ID: 1368547). This variant has not been reported in the literature in individuals affected with GDF6-related conditions. This variant is present in population databases (no rsID available, gnomAD 0.003%). This sequence change replaces serine, which is neutral and polar, with leucine, which is neutral and non-polar, at codon 393 of the GDF6 protein (p.Ser393Leu).

NM_001001557.4(GDF6):c.1178C>T (p.Ser393Leu)

Gene: GDF6 (growth differentiation factor 6; minus strand). Cytogenetic location: 8q22.1.
Variant type: single nucleotide variant.
Coding change: c.1178C>T on transcript NM_001001557.4 (MANE Select); coding-DNA position 1178, C replaced by T.
Protein change: p.Ser393Leu; replaces serine 393 with leucine.
Molecular consequence: missense variant.
Genome position (GRCh38, 1-based): chr8:96,144,753, G>A on the plus strand (C>T on the coding strand, the complement: GDF6 is on the minus strand). VCF-style: chr8-96144753-G-A. GRCh37 (hg19) VCF-style: chr8-97156981-G-A.
Other names: short protein forms S393L.
Identifiers: ClinVar variation 1368547 (VCV001368547.9), dbSNP rs926947319, ClinGen allele CA181485021.